The following is an entry in ClinVar:

ClinVar aggregate classification (germline): Uncertain significance (1 of 4 stars; one submission).

gnomAD v4.1: 13 of 1,606,340 alleles (0.00081%); highest among the groups gnomAD compares: East Asian, 0.011%; no homozygotes.

Submission:

Women's Health and Genetics/Laboratory Corporation of America, LabCorp
Classification: Uncertain significance. Last evaluated: 2026-01-26. Review status: criteria provided, single submitter. Criteria: LabCorp Variant Classification Summary - May 2015. Collection method: clinical testing. Allele origin: germline.
Comment: Variant summary: SP7 c.749G>A (p.Arg250Gln) results in a conservative amino acid change in the encoded protein sequence. Algorithms developed to predict the effect of missense changes on protein structure and function are either unavailable or do not agree on the potential impact of this missense change. The variant allele was found at a frequency of 1.2e-05 in 244860 control chromosomes. The available data on variant occurrences in the general population are insufficient to allow any conclusion about variant significance. To our knowledge, no occurrence of c.749G>A in individuals affected with SP7-related conditions and no experimental evidence demonstrating its impact on protein function have been reported. No submitters have cited clinical-significance assessments for this variant to ClinVar. Based on the evidence outlined above, the variant was classified as uncertain significance.

NM_001173467.3(SP7):c.749G>A (p.Arg250Gln)

Gene: SP7 (Sp7 transcription factor; minus strand). Cytogenetic location: 12q13.13.
Variant type: single nucleotide variant.
Coding change: c.749G>A on transcript NM_001173467.3 (MANE Select); coding-DNA position 749, G replaced by A.
Protein change: p.Arg250Gln; replaces arginine 250 with glutamine.
Molecular consequence: missense variant.
Genome position (GRCh38, 1-based): chr12:53,328,693, C>T on the plus strand (G>A on the coding strand, the complement: SP7 is on the minus strand). VCF-style: chr12-53328693-C-T. GRCh37 (hg19) VCF-style: chr12-53722477-C-T.
Other names: c.695G>A, p.Arg232Gln (NM_001300837.2); c.749G>A, p.Arg250Gln (NM_152860.2); short protein forms R232Q, R250Q.
Identifiers: ClinVar variation 4689712 (VCV004689712.1).